The following is an entry in ClinVar:

ClinVar aggregate classification (germline): Pathogenic (1 of 4 stars; one submission).

Conditions:
Glycogen storage disease, type II (IOPD). Also called: CARDIOMEGALIA GLYCOGENICA DIFFUSA; GLYCOGENOSIS, GENERALIZED, CARDIAC FORM; GSD II; Glycogen storage disease type 2; Acid maltase deficiency disease; Aglucosidase alfa. Identifiers: Orphanet 365, MedGen C0017921, MONDO:0009290, OMIM 232300.

Submission:

Myriad Genetics, Inc.
Classification: Pathogenic for Glycogen storage disease, type II. Last evaluated: 2026-06-04. Review status: criteria provided, single submitter. Criteria: Myriad Autosomal Dominant, Autosomal Recessive and X-Linked Classification Criteria (2023). Collection method: clinical testing. Allele origin: unknown.
Comment: NM_000152.3(GAA):c.2186_2187insA(E730Gfs*7) is expected to be pathogenic in the context of Pompe disease. This variant is predicted to lead to an abnormal or absent protein product due to the creation of a premature termination codon in GAA, a gene where loss-of-function variants are known to be pathogenic. Please note: this variant was assessed in the context of healthy population screening.

NM_000152.5(GAA):c.2186_2187insA (p.Glu730fs)

Gene: GAA (alpha glucosidase; plus strand). Cytogenetic location: 17q25.3.
Variant type: Insertion.
Coding change: c.2186_2187insA on transcript NM_000152.5 (MANE Select); coding-DNA positions 2186 to 2187, A inserted.
Protein change: p.Glu730fs; shifts the reading frame from glutamic acid 730.
Molecular consequence: frameshift variant.
Genome position: GRCh38 VCF-style: chr17-80113363-T-TA. GRCh37 (hg19) VCF-style: chr17-78087162-T-TA.
Other names: c.2186_2187insA, p.Glu730fs (NM_001079803.3, NM_001079804.3, NM_001406741.1 and 1 more transcripts); short protein forms E730fs.
Identifiers: ClinVar variation 5015986 (VCV005015986.1).
Genomic context (GRCh38, chr17:80,113,363, plus strand): 5'-TCTACACACTGTTCCACCAGGCCCACGTCGCGGGGGAGACCGTGGCCCGGCCCCTCTTCC[T>TA]GGAGTGAGTGACCTAGGCAGGGGCGGTGGCCCATGTGTGCCCTGGGGGAGGGGCACGTAA-3'